The following is an entry in ClinVar:

ClinVar aggregate classification (germline): Benign/Likely benign. Review status: criteria provided, multiple submitters, no conflicts (2 of 4 stars). 3 submissions from 3 submitters: Benign (1); Likely benign (2). Last evaluated 2025-11-02.

Allele frequency attached by ClinVar (database versions not stated): TOPMed 0.00002; gnomAD 0.00008; gnomAD exomes 0.00033; ExAC 0.00043; 1000 Genomes Project 0.00053; 1000 Genomes Project 30x 0.00083.
gnomAD v4.1: 178 of 1,210,211 alleles (0.015%); highest among the groups gnomAD compares: South Asian, 0.29%; no homozygotes.

Submissions (3):

Labcorp Genetics (formerly Invitae), Labcorp
Classification: Benign. Last evaluated: 2025-11-02. Review status: criteria provided, single submitter. Criteria: Invitae Variant Classification Sherloc (09022015). Collection method: clinical testing. Allele origin: germline.

Blueprint Genetics
Classification: Likely benign. Last evaluated: 2024-09-02. Review status: criteria provided, single submitter. Criteria: ACMG Guidelines, 2015. Collection method: clinical testing. Allele origin: germline.

CeGaT Center for Human Genetics Tuebingen
Classification: Likely benign. Last evaluated: 2023-08-01. Review status: criteria provided, single submitter. Criteria: CeGaT Center For Human Genetics Tuebingen Variant Classification Criteria Version 2. Collection method: clinical testing. Allele origin: germline. Affected: yes. Observed: 1 variant allele.
Comment: COL4A6: BP4, BP7, BS2

NM_033641.4(COL4A6):c.2643C>A (p.Gly881=)

Gene: COL4A6 (collagen type IV alpha 6 chain; minus strand). Cytogenetic location: Xq22.3.
Variant type: single nucleotide variant.
Coding change: c.2643C>A on transcript NM_033641.4 (MANE Select); coding-DNA position 2643, C replaced by A.
Protein change: p.Gly881=; no amino-acid change (glycine 881 retained).
Molecular consequence: synonymous variant.
Genome position (GRCh38, 1-based): chrX:108,176,884, G>T on the plus strand (C>A on the coding strand, the complement: COL4A6 is on the minus strand). VCF-style: chrX-108176884-G-T. GRCh37 (hg19) VCF-style: chrX-107420114-G-T.
Other names: c.2694C>A, p.Gly898= (NM_001287758.2); c.2643C>A, p.Gly881= (NM_001287759.2, NM_001287760.2); c.2646C>A, p.Gly882= (NM_001847.4).
Identifiers: ClinVar variation 1595860 (VCV001595860.33), dbSNP rs755421435, ClinGen allele CA10487593.